The following is an entry in ClinVar:

NM_007186.6(CEP250):c.1408A>C (p.Lys470Gln)

Genes: CEP250 (centrosomal protein 250; plus strand), CEP250-AS1 (CEP250 antisense RNA 1; minus strand). Cytogenetic location: 20q11.22.
Variant type: single nucleotide variant.
Coding change: c.1408A>C on transcript NM_007186.6 (MANE Select); coding-DNA position 1408, A replaced by C.
Protein change: p.Lys470Gln; replaces lysine 470 with glutamine.
Molecular consequence: missense variant. On other transcripts: non-coding transcript variant (7), 5 prime UTR variant (1).
Genome position (GRCh38, 1-based): chr20:35,473,889, A>C. VCF-style: chr20-35473889-A-C. GRCh37 (hg19) VCF-style: chr20-34061714-A-C.
Other names: c.-492A>C (NM_001318219.1); short protein forms K470Q.
Identifiers: ClinVar variation 4764528 (VCV004764528.1).

ClinVar aggregate classification (germline): Uncertain significance (1 of 4 stars; one submission).

Submission:

Labcorp Genetics (formerly Invitae), Labcorp
Classification: Uncertain significance. Last evaluated: 2026-01-20. Review status: criteria provided, single submitter. Criteria: Invitae Variant Classification Sherloc (09022015). Collection method: clinical testing. Allele origin: germline.
Comment: This sequence change replaces lysine, which is basic and polar, with glutamine, which is neutral and polar, at codon 470 of the CEP250 protein (p.Lys470Gln). This variant is not present in population databases (gnomAD no frequency). This variant has not been reported in the literature in individuals affected with CEP250-related conditions. An algorithm developed to predict the effect of missense changes on protein structure and function (PolyPhen-2) suggests that this variant is likely to be disruptive. In summary, the available evidence is currently insufficient to determine the role of this variant in disease. Therefore, it has been classified as a Variant of Uncertain Significance.